The following is an entry in ClinVar:

NM_000293.3(PHKB):c.995G>C (p.Arg332Pro)

Gene: PHKB (phosphorylase kinase regulatory subunit beta; plus strand). Cytogenetic location: 16q12.1.
Variant type: single nucleotide variant.
Coding change: c.995G>C on transcript NM_000293.3 (MANE Select); coding-DNA position 995, G replaced by C.
Protein change: p.Arg332Pro; replaces arginine 332 with proline.
Molecular consequence: missense variant.
Genome position (GRCh38, 1-based): chr16:47,589,029, G>C. VCF-style: chr16-47589029-G-C. GRCh37 (hg19) VCF-style: chr16-47622940-G-C.
Other names: c.974G>C, p.Arg325Pro (NM_001031835.3); c.995G>C, p.Arg332Pro (NM_001363837.1); short protein forms R332P, R325P.
Identifiers: ClinVar variation 1992837 (VCV001992837.1), dbSNP rs201074312, ClinGen allele CA395796176.

ClinVar aggregate classification (germline): Uncertain significance (1 of 4 stars; one submission).

Conditions:
Glycogen storage disease IXb (GSD9B). Also called: PHOSPHORYLASE KINASE DEFICIENCY OF LIVER AND MUSCLE, AUTOSOMAL RECESSIVE; GLYCOGENOSIS OF LIVER AND MUSCLE, AUTOSOMAL RECESSIVE; GSD IXb. Identifiers: Orphanet 79240, MedGen C0543514, MONDO:0009868, OMIM 261750.

Submission:

Labcorp Genetics (formerly Invitae), Labcorp
Classification: Uncertain significance for Glycogen storage disease IXb. Last evaluated: 2022-08-17. Review status: criteria provided, single submitter. Criteria: Invitae Variant Classification Sherloc (09022015). Collection method: clinical testing. Allele origin: germline.
Comment: This sequence change replaces arginine, which is basic and polar, with proline, which is neutral and non-polar, at codon 332 of the PHKB protein (p.Arg332Pro). This variant is not present in population databases (gnomAD no frequency). This variant has not been reported in the literature in individuals affected with PHKB-related conditions. Algorithms developed to predict the effect of missense changes on protein structure and function (SIFT, PolyPhen-2, Align-GVGD) all suggest that this variant is likely to be disruptive. In summary, the available evidence is currently insufficient to determine the role of this variant in disease. Therefore, it has been classified as a Variant of Uncertain Significance.